The following is an entry in ClinVar:

NM_001844.5(COL2A1):c.278T>G (p.Leu93Arg)

Gene: COL2A1 (collagen type II alpha 1 chain; minus strand). Cytogenetic location: 12q13.11.
Variant type: single nucleotide variant.
Coding change: c.278T>G on transcript NM_001844.5 (MANE Select); coding-DNA position 278, T replaced by G.
Protein change: p.Leu93Arg; replaces leucine 93 with arginine.
Molecular consequence: missense variant. On other transcripts: intron variant (1).
Genome position (GRCh38, 1-based): chr12:47,999,933, A>C on the plus strand (T>G on the coding strand, the complement: COL2A1 is on the minus strand). VCF-style: chr12-47999933-A-C. GRCh37 (hg19) VCF-style: chr12-48393716-A-C.
Other names: c.86-1502T>G (NM_033150.3); short protein forms L93R.
Identifiers: ClinVar variation 2637034 (VCV002637034.1), dbSNP rs2540187306, ClinGen allele CA384525795.
Genomic context (GRCh38, chr12:47,999,933, plus strand): 5'-TGCAAGTAATTTATTTATGTTGAACAGGAAATAAATAAATTACAACCACTGGCAGTGGCG[A>C]GGTCAGTTGGGCAGATGGGGCAGCACTCTCCGAAGGGGATCTCAGGGCTGAGGCAGTCTT-3'
Protein context (NP_001835.3, residues 83-103): GECCPICPTD[Leu93Arg]ATASGQPGPK

ClinVar aggregate classification (germline): Uncertain significance (1 of 4 stars; one submission).

Conditions:
COL2A1-related disorder. Also called: COL2A1-related condition; COL2A1-related disorders.

Submission:

PreventionGenetics, part of Exact Sciences
Classification: Uncertain significance for COL2A1-related condition. Last evaluated: 2022-09-27. Review status: criteria provided, single submitter. Criteria: ACMG Guidelines, 2015. Collection method: clinical testing. Allele origin: germline.
Comment: The COL2A1 c.278T>G variant is predicted to result in the amino acid substitution p.Leu93Arg. To our knowledge, this variant has not been reported in the literature or in a large population database, indicating this variant is rare. At this time, the clinical significance of this variant is uncertain due to the absence of conclusive functional and genetic evidence.